The following is an entry in ClinVar:

NM_000138.5(FBN1):c.6845G>A (p.Arg2282Gln)

Gene: FBN1 (fibrillin 1; minus strand). Cytogenetic location: 15q21.1.
Variant type: single nucleotide variant.
Coding change: c.6845G>A on transcript NM_000138.5 (MANE Select); coding-DNA position 6845, G replaced by A.
Protein change: p.Arg2282Gln; replaces arginine 2282 with glutamine.
Molecular consequence: missense variant.
Genome position (GRCh38, 1-based): chr15:48,430,697, C>T on the plus strand (G>A on the coding strand, the complement: FBN1 is on the minus strand). VCF-style: chr15-48430697-C-T. GRCh37 (hg19) VCF-style: chr15-48722894-C-T.
Other names: short protein forms R2282Q.
Identifiers: ClinVar variation 457253 (VCV000457253.22), dbSNP rs759696323, ClinGen allele CA057481.
Genomic context (GRCh38, chr15:48,430,697, plus strand): 5'-GCACTCAAAGCTCCTTCCACAGGGATCCTCTTACCTACACAGCCTTCTCCATCAGGTCTC[C>T]GCTGATACCCGGGTCCACAGATGCACATATATGTGCCAATGAGGTTCTTGCATTCCATTT-3'
Protein context (NP_000129.3, residues 2272-2292): YMCICGPGYQ[Arg2282Gln]RPDGEGCVDE

ClinVar aggregate classification (germline): Conflicting classifications of pathogenicity. Review status: criteria provided, conflicting classifications (1 of 4 stars). 8 submissions from 7 submitters: Uncertain significance (5); Likely benign (3). Last evaluated 2026-01-30.

Conditions:
Weill-Marchesani syndrome 2, dominant. Also called: FBN1-Related Weill-Marchesani Syndrome; Weill-Marchesani Syndrome, Autosomal Dominant. Identifiers: Orphanet 2084, MedGen C1869115, MONDO:0012013, OMIM 608328.
Ectopia lentis 1, isolated, autosomal dominant (ECTOL1). Identifiers: Orphanet 1885, MedGen C3541518, MONDO:0007514, OMIM 129600.
Marfan syndrome (MFS). Also called: MARFAN SYNDROME, TYPE I; FBN1-Related Marfan Syndrome; Marfan syndrome type 1; Marfan's syndrome; Marfan syndrome, classic. Identifiers: Orphanet 284963, Orphanet 558, MedGen C0024796, MONDO:0007947, OMIM 154700.
Stiff skin syndrome (SSKS). Identifiers: Orphanet 2833, MedGen C1861456, MONDO:0008492, OMIM 184900.
Acromicric dysplasia (ACMICD). Also called: Acromicric skeletal dysplasia. Identifiers: Orphanet 969, MedGen C0265287, MONDO:0007055, OMIM 102370.
Progeroid and marfanoid aspect-lipodystrophy syndrome. Also called: MARFANOID-PROGEROID SYNDROME; MARFAN-PROGEROID-LIPODYSTROPHY SYNDROME; Marfan lipodystrophy syndrome; MARFANOID-PROGEROID-LIPODYSTROPHY SYNDROME. Identifiers: Orphanet 300382, MedGen C4310796, MONDO:0014831, OMIM 616914.
MASS syndrome (OCTD). Also called: MASS PHENOTYPE; OVERLAP CONNECTIVE TISSUE DISEASE. Identifiers: MedGen C1858556, MONDO:0011431, OMIM 604308.
Geleophysic dysplasia 2 (GPHYSD2). Identifiers: Orphanet 2623, MedGen C3280054, MONDO:0013612, OMIM 614185.
Familial thoracic aortic aneurysm and aortic dissection (TAAD). Also called: Thoracic aortic aneurysms and dissections. Identifiers: Orphanet 91387, MedGen C4707243, MONDO:0019625.

Allele frequency attached by ClinVar (database versions not stated): gnomAD 0.00001; TOPMed 0.00006; gnomAD exomes 0.00002 and 0.00008; ExAC 0.00009.
gnomAD v4.1: 33 of 1,613,748 alleles (0.002%); highest among the groups gnomAD compares: Admixed American, 0.02%; no homozygotes.

Submissions (8):

GeneDx
Classification: Uncertain significance. Last evaluated: 2026-01-30. Review status: criteria provided, single submitter. Criteria: GeneDx Variant Classification Process June 2021. Collection method: clinical testing. Allele origin: germline. Affected: yes.
Comment: Has not been previously published as pathogenic or benign to our knowledge; In silico analysis suggests that this missense variant does not alter protein structure/function; This variant is associated with the following publications: (PMID: 12938084)

Labcorp Genetics (formerly Invitae), Labcorp
Classification: Likely benign for Marfan syndrome; Familial thoracic aortic aneurysm and aortic dissection. Last evaluated: 2025-07-27. Review status: criteria provided, single submitter. Criteria: Invitae Variant Classification Sherloc (09022015). Collection method: clinical testing. Allele origin: germline.

Color Diagnostics, LLC DBA Color Health
Classification: Likely benign for Familial thoracic aortic aneurysm and aortic dissection. Last evaluated: 2025-07-02. Review status: criteria provided, single submitter. Criteria: ACMG Guidelines, 2015. Collection method: clinical testing. Allele origin: germline.

All of Us Research Program, National Institutes of Health
Classification: Uncertain significance for Marfan syndrome. Last evaluated: 2024-09-23. Review status: criteria provided, single submitter. Criteria: ACMG Guidelines, 2015. Collection method: clinical testing. Allele origin: germline. Inheritance: Autosomal dominant inheritance. Observed: 5 variant alleles, 5 heterozygotes.
Comment: This missense variant replaces arginine with glutamine at codon 2282 of the FBN1 protein. Computational prediction is inconclusive regarding the impact of this variant on protein structure and function (internally defined REVEL score threshold 0.5 < inconclusive < 0.7, PMID: 27666373). To our knowledge, functional studies have not been reported for this variant. This variant has not been reported in individuals affected with cardiovascular disorders in the literature. This variant has been identified in 21/251286 chromosomes in the general population by the Genome Aggregation Database (gnomAD). The available evidence is insufficient to determine the role of this variant in disease conclusively. Therefore, this variant is classified as a Variant of Uncertain Significance.

This study involves interpretation of variants in research participants for the purpose of population health screening. Participant phenotype was not available at the time of variant classification. Additional details can be found in publication PMID: 35346344, PMCID: PMC8962531

Ambry Genetics
Classification: Likely benign for Familial thoracic aortic aneurysm and aortic dissection. Last evaluated: 2022-02-25. Review status: criteria provided, single submitter. Criteria: Ambry Variant Classification Scheme 2023. Collection method: clinical testing. Allele origin: germline.

Fulgent Genetics
Classification: Uncertain significance for Acromicric dysplasia; Ectopia lentis 1, isolated, autosomal dominant; Marfan syndrome; Stiff skin syndrome; MASS syndrome; Weill-Marchesani syndrome 2, dominant; Geleophysic dysplasia 2; Progeroid and marfanoid aspect-lipodystrophy syndrome. Last evaluated: 2021-12-27. Review status: criteria provided, single submitter. Criteria: ACMG Guidelines, 2015. Collection method: clinical testing. Allele origin: unknown.

Center for Genomics, Ann and Robert H. Lurie Children's Hospital of Chicago
Classification: Uncertain significance for Marfan syndrome. Last evaluated: 2017-08-01. Review status: criteria provided, single submitter. Criteria: ACMG Guidelines, 2015. Collection method: clinical testing. Allele origin: germline.
Comment: FBN1 NM_000138 exon 56 p.Arg2282Gln (c.6845G>A): This variant has not been previously reported in the literature but has been identified in 10/33554 Latino chromosomes in the Genome Aggregation Database. Computational predictive tools for this variant are unclear. However, this variant is present in 3 other species (Collared Flycatcher, Zebra Finch and Coelacanth), suggesting that this variant may not impact the protein. In summary, data on this variant is insufficient for disease classification. Therefore, the clinical significance of this variant is uncertain.

Center for Genomics, Ann and Robert H. Lurie Children's Hospital of Chicago
Classification: Uncertain significance for Geleophysic dysplasia 2; Weill-Marchesani syndrome 2, dominant; Ectopia lentis 1, isolated, autosomal dominant; MASS syndrome; Progeroid and marfanoid aspect-lipodystrophy syndrome; Acromicric dysplasia; Marfan syndrome; Stiff skin syndrome. Review status: criteria provided, single submitter. Criteria: ACMG Guidelines, 2015. Collection method: clinical testing. Allele origin: germline.
Comment: the same text as in the submission from Center for Genomics, Ann and Robert H. Lurie Children's Hospital of Chicago above.

Literature cited by the submitters: PubMed 11700157 (cited by Ambry Genetics); PubMed 9338581 (cited by Ambry Genetics).